The following is an entry in ClinVar:

ClinVar aggregate classification (germline): Uncertain significance (1 of 4 stars; one submission).

Submission:

Labcorp Genetics (formerly Invitae), Labcorp
Classification: Uncertain significance. Last evaluated: 2021-01-08. Review status: criteria provided, single submitter. Criteria: Invitae Variant Classification Sherloc (09022015). Collection method: clinical testing. Allele origin: germline.
Comment: Algorithms developed to predict the effect of missense changes on protein structure and function (SIFT, PolyPhen-2, Align-GVGD) all suggest that this variant is likely to be tolerated, but these predictions have not been confirmed by published functional studies and their clinical significance is uncertain. In summary, the available evidence is currently insufficient to determine the role of this variant in disease. Therefore, it has been classified as a Variant of Uncertain Significance. This variant has not been reported in the literature in individuals with CFB-related conditions. This variant is not present in population databases (ExAC no frequency). This sequence change replaces glycine with arginine at codon 41 of the CFB protein (p.Gly41Arg). The glycine residue is moderately conserved and there is a moderate physicochemical difference between glycine and arginine.

NM_001710.6(CFB):c.121G>C (p.Gly41Arg)

Gene: CFB (complement factor B; plus strand). Cytogenetic location: 6p21.33.
Variant type: single nucleotide variant.
Coding change: c.121G>C on transcript NM_001710.6 (MANE Select); coding-DNA position 121, G replaced by C.
Protein change: p.Gly41Arg; replaces glycine 41 with arginine.
Molecular consequence: missense variant.
Genome position (GRCh38, 1-based): chr6:31,946,429, G>C. VCF-style: chr6-31946429-G-C. GRCh37 (hg19) VCF-style: chr6-31914206-G-C.
Other names: short protein forms G41R.
Identifiers: ClinVar variation 1515322 (VCV001515322.8), dbSNP rs777499237, ClinGen allele CA363388139.